The following is an entry in ClinVar:

ClinVar aggregate classification (germline): Uncertain significance. Review status: criteria provided, multiple submitters, no conflicts (2 of 4 stars). 2 submissions from 2 submitters: Uncertain significance (2). Last evaluated 2025-06-29.

Conditions:
Inborn genetic diseases. Identifiers: MedGen C0950123, MeSH D030342.

Allele frequency attached by ClinVar (database versions not stated): ExAC 0.00002.

Submissions (2):

Ambry Genetics
Classification: Uncertain significance for Inborn genetic diseases. Last evaluated: 2025-06-29. Review status: criteria provided, single submitter. Criteria: Ambry Variant Classification Scheme 2023. Collection method: clinical testing. Allele origin: germline.

Labcorp Genetics (formerly Invitae), Labcorp
Classification: Uncertain significance. Last evaluated: 2024-10-15. Review status: criteria provided, single submitter. Criteria: Invitae Variant Classification Sherloc (09022015). Collection method: clinical testing. Allele origin: germline.
Comment: This sequence change replaces threonine, which is neutral and polar, with arginine, which is basic and polar, at codon 182 of the USH1G protein (p.Thr182Arg). This variant is present in population databases (rs769073148, gnomAD 0.003%). This variant has not been reported in the literature in individuals affected with USH1G-related conditions. ClinVar contains an entry for this variant (Variation ID: 1061194). Invitae Evidence Modeling of protein sequence and biophysical properties (such as structural, functional, and spatial information, amino acid conservation, physicochemical variation, residue mobility, and thermodynamic stability) indicates that this missense variant is not expected to disrupt USH1G protein function with a negative predictive value of 80%. In summary, the available evidence is currently insufficient to determine the role of this variant in disease. Therefore, it has been classified as a Variant of Uncertain Significance.

NM_173477.5(USH1G):c.545C>G (p.Thr182Arg)

Gene: USH1G (USH1 protein network component sans; minus strand). Cytogenetic location: 17q25.1.
Variant type: single nucleotide variant.
Coding change: c.545C>G on transcript NM_173477.5 (MANE Select); coding-DNA position 545, C replaced by G.
Protein change: p.Thr182Arg; replaces threonine 182 with arginine.
Molecular consequence: missense variant.
Genome position (GRCh38, 1-based): chr17:74,920,291, G>C on the plus strand (C>G on the coding strand, the complement: USH1G is on the minus strand). VCF-style: chr17-74920291-G-C. GRCh37 (hg19) VCF-style: chr17-72916386-G-C.
Other names: c.545C>G (NM_173477.2); c.236C>G, p.Thr79Arg (NM_001282489.3); short protein forms T182R, T79R.
Identifiers: ClinVar variation 1061194 (VCV001061194.8), dbSNP rs769073148, ClinGen allele CA8754049.